The following is an entry in ClinVar:

ClinVar aggregate classification (germline): Pathogenic. Review status: criteria provided, multiple submitters, no conflicts (2 of 4 stars). 2 submissions from 2 submitters: Pathogenic (2). Last evaluated 2025-03-07.

Conditions:
Cornelia de Lange syndrome 1 (CDLS1). Also called: Brachmann de Lange syndrome; TYPUS DEGENERATIVUS AMSTELODAMENSIS; NIPBL-Related Cornelia de Lange Syndrome. Identifiers: Orphanet 199, MedGen C4551851, MONDO:0007387, OMIM 122470.

Submissions (2):

GeneDx
Classification: Pathogenic. Last evaluated: 2025-03-07. Review status: criteria provided, single submitter. Criteria: GeneDx Variant Classification Process June 2021. Collection method: clinical testing. Allele origin: germline. Affected: yes.
Comment: Canonical splice site variant predicted to result in an in-frame loss of the adjacent exon in a gene for which loss of function is a known mechanism of disease; Not observed at significant frequency in large population cohorts (gnomAD); This variant is associated with the following publications: (PMID: 24218399, 37377026)

Labcorp Genetics (formerly Invitae), Labcorp
Classification: Pathogenic for Cornelia de Lange syndrome 1. Last evaluated: 2020-12-14. Review status: criteria provided, single submitter. Criteria: Invitae Variant Classification Sherloc (09022015). Collection method: clinical testing. Allele origin: germline.
Comment: This sequence change affects a donor splice site in intron 39 of the NIPBL gene. It is expected to disrupt RNA splicing. Variants that disrupt the donor or acceptor splice site typically lead to a loss of protein function (PMID: 16199547), and loss-of-function variants in NIPBL are known to be pathogenic (PMID: 15318302, 19763162, 23505322, 29995837). This variant is not present in population databases (ExAC no frequency). This variant has been observed in individuals with clinical features of Cornelia de Lange syndrome (PMID: 24218399, Invitae). ClinVar contains an entry for this variant (Variation ID: 952247). Algorithms developed to predict the effect of sequence changes on RNA splicing suggest that this variant may disrupt the consensus splice site, but this prediction has not been confirmed by published transcriptional studies. For these reasons, this variant has been classified as Pathogenic.

Literature cited by the submitters: PubMed 16199547 (cited by Labcorp Genetics (formerly Invitae), Labcorp); PubMed 15318302 (cited by Labcorp Genetics (formerly Invitae), Labcorp); PubMed 19763162 (cited by Labcorp Genetics (formerly Invitae), Labcorp); PubMed 23505322 (cited by Labcorp Genetics (formerly Invitae), Labcorp); PubMed 29995837 (cited by Labcorp Genetics (formerly Invitae), Labcorp); PubMed 24218399 (cited by Labcorp Genetics (formerly Invitae), Labcorp).

NM_133433.4(NIPBL):c.6763+1G>A

Gene: NIPBL (NIPBL cohesin loading factor; plus strand). Cytogenetic location: 5p13.2.
Variant type: single nucleotide variant.
Coding change: c.6763+1G>A on transcript NM_133433.4 (MANE Select); the canonical splice donor site of the intron after coding-DNA position 6763, G replaced by A.
Molecular consequence: splice donor variant.
Genome position (GRCh38, 1-based): chr5:37,048,676, G>A. VCF-style: chr5-37048676-G-A. GRCh37 (hg19) VCF-style: chr5-37048778-G-A.
Other names: c.6763+1G>A (NM_015384.5).
Identifiers: ClinVar variation 952247 (VCV000952247.11), dbSNP rs1753212131, ClinGen allele CA359508667.
Genomic context (GRCh38, chr5:37,048,676, plus strand): 5'-AAAACCTCCAGACCTACCTACAAGAAGAAGATACACGTATGCAGCAGGCAGATAGAGACT[G>A]TAAGTGAAAATATATTTTTAAATTTCATAGCTACATTTATATTATAATGGCTTTATCTTC-3'